The following is an entry in ClinVar:

NM_004064.5(CDKN1B):c.215dup (p.Lys73fs)

Gene: CDKN1B (cyclin dependent kinase inhibitor 1B; plus strand). Cytogenetic location: 12p13.1.
Variant type: Duplication.
Coding change: c.215dup on transcript NM_004064.5 (MANE Select); coding-DNA position 215, one base duplicated (G; older notation c.215dupG).
Protein change: p.Lys73fs; shifts the reading frame from lysine 73.
Molecular consequence: frameshift variant.
Genome position (GRCh38, 1-based): chr12:12,718,054, G duplicated; the last of 3 consecutive G bases (chr12:12,718,052-12,718,054); duplicating any one gives the same sequence. VCF-style (leftmost placement, unchanged base first): chr12-12718051-A-AG. GRCh37 (hg19) VCF-style: chr12-12870985-A-AG.
Other names: short protein forms K73fs.
Identifiers: ClinVar variation 493110 (VCV000493110.49), dbSNP rs1555085549, ClinGen allele CA478845635.

ClinVar aggregate classification (germline): Pathogenic/Likely pathogenic. Review status: criteria provided, multiple submitters, no conflicts (2 of 4 stars). 3 submissions from 3 submitters: Pathogenic (2); Likely pathogenic (1). Last evaluated 2024-07-11.

Conditions:
Multiple endocrine neoplasia type 4. Also called: MULTIPLE ENDOCRINE NEOPLASIA, TYPE IV. Identifiers: Orphanet 276152, MedGen C1970712, MONDO:0012552, OMIM 610755.
Hereditary cancer-predisposing syndrome. Also called: Hereditary neoplastic syndrome; Neoplastic Syndromes, Hereditary; Hereditary Cancer Syndrome; Tumor predisposition. Identifiers: Orphanet 140162, MedGen C0027672, MeSH D009386, MONDO:0015356.

Submissions (3):

Labcorp Genetics (formerly Invitae), Labcorp
Classification: Pathogenic for Multiple endocrine neoplasia type 4. Last evaluated: 2024-07-11. Review status: criteria provided, single submitter. Criteria: Invitae Variant Classification Sherloc (09022015). Collection method: clinical testing. Allele origin: germline.
Comment: This sequence change creates a premature translational stop signal (p.Lys73Glnfs*52) in the CDKN1B gene. It is expected to result in an absent or disrupted protein product. Loss-of-function variants in CDKN1B are known to be pathogenic (PMID: 17030811, 24819502). This variant is not present in population databases (gnomAD no frequency). This variant has not been reported in the literature in individuals affected with CDKN1B-related conditions. ClinVar contains an entry for this variant (Variation ID: 493110). For these reasons, this variant has been classified as Pathogenic.

Ambry Genetics
Classification: Pathogenic for Hereditary cancer-predisposing syndrome. Last evaluated: 2021-12-30. Review status: criteria provided, single submitter. Criteria: Ambry Variant Classification Scheme 2023. Collection method: clinical testing. Allele origin: germline.
Comment: The c.215dupG pathogenic mutation, located in coding exon 1 of the CDKN1B gene, results from a duplication of G at nucleotide position 215, causing a translational frameshift with a predicted alternate stop codon (p.K73Qfs*52). This variant is considered to be rare based on population cohorts in the Genome Aggregation Database (gnomAD). This alteration is expected to result in loss of function by premature protein truncation or nonsense-mediated mRNA decay. As such, this alteration is interpreted as a disease-causing mutation.

CeGaT Center for Human Genetics Tuebingen
Classification: Likely pathogenic. Last evaluated: 2021-04-01. Review status: criteria provided, single submitter. Criteria: CeGaT Center For Human Genetics Tuebingen Variant Classification Criteria Version 2. Collection method: clinical testing. Allele origin: germline. Affected: yes. Observed: 3 variant alleles.

Literature cited by the submitters: PubMed 17030811 (cited by Labcorp Genetics (formerly Invitae), Labcorp); PubMed 24819502 (cited by Labcorp Genetics (formerly Invitae), Labcorp).